The following is an entry in ClinVar:

NM_003482.4(KMT2D):c.2188G>T (p.Glu730Ter)

Gene: KMT2D (lysine methyltransferase 2D; minus strand). Cytogenetic location: 12q13.12.
Variant type: single nucleotide variant.
Coding change: c.2188G>T on transcript NM_003482.4 (MANE Select); coding-DNA position 2188, G replaced by T.
Protein change: p.Glu730Ter; replaces glutamic acid 730 with a stop codon.
Molecular consequence: nonsense.
Genome position (GRCh38, 1-based): chr12:49,051,495, C>A on the plus strand (G>T on the coding strand, the complement: KMT2D is on the minus strand). VCF-style: chr12-49051495-C-A. GRCh37 (hg19) VCF-style: chr12-49445278-C-A.
Other names: short protein forms E730*.
Identifiers: ClinVar variation 3775969 (VCV003775969.1).

ClinVar aggregate classification (germline): Likely pathogenic (1 of 4 stars; one submission).

Conditions:
Kabuki syndrome 1 (KABUK1). Also called: KMT2D-Related Kabuki Syndrome. Identifiers: Orphanet 2322, MedGen CN030661, MONDO:0007843, OMIM 147920.

Submission:

3billion
Classification: Likely pathogenic for Kabuki syndrome 1. Last evaluated: 2023-06-13. Review status: criteria provided, single submitter. Criteria: ACMG Guidelines, 2015. Collection method: clinical testing. Allele origin: germline. Affected: yes.
Comment: The variant is not observed in the gnomAD v2.1.1 dataset. Predicted Consequence/Location: Stop-gained (nonsense): predicted to result in a loss or disruption of normal protein function through nonsense-mediated decay (NMD) or protein truncation. Multiple pathogenic variants are reported downstream of the variant. Therefore, this variant is classified as Likely pathogenic according to the recommendation of ACMG/AMP guideline.